The following is an entry in ClinVar:

ClinVar aggregate classification (germline): Pathogenic/Likely pathogenic. Review status: criteria provided, multiple submitters, no conflicts (2 of 4 stars). 2 submissions from 2 submitters: Pathogenic (1); Likely pathogenic (1). Last evaluated 2025-11-11.

Conditions:
Xeroderma pigmentosum, group C (XPC). Also called: XPC-Related Xeroderma Pigmentosum; Xeroderma pigmentosum, complementation group C; XERODERMA PIGMENTOSUM III; XP, GROUP C. Identifiers: Orphanet 910, MedGen C2752147, MONDO:0010211, OMIM 278720.

Submissions (2):

Labcorp Genetics (formerly Invitae), Labcorp
Classification: Pathogenic. Last evaluated: 2025-11-11. Review status: criteria provided, single submitter. Criteria: Invitae Variant Classification Sherloc (09022015). Collection method: clinical testing. Allele origin: germline.
Comment: This sequence change creates a premature translational stop signal (p.Pro633Leufs*17) in the XPC gene. It is expected to result in an absent or disrupted protein product. Loss-of-function variants in XPC are known to be pathogenic (PMID: 23173980, 25256075). This variant is not present in population databases (gnomAD no frequency). This variant has not been reported in the literature in individuals affected with XPC-related conditions. ClinVar contains an entry for this variant (Variation ID: 1459990). For these reasons, this variant has been classified as Pathogenic.

Fulgent Genetics
Classification: Likely pathogenic for Xeroderma pigmentosum, group C. Last evaluated: 2024-05-21. Review status: criteria provided, single submitter. Criteria: ACMG Guidelines, 2015. Collection method: clinical testing. Allele origin: germline.

Literature cited by the submitters: PubMed 23173980 (cited by Labcorp Genetics (formerly Invitae), Labcorp); PubMed 25256075 (cited by Labcorp Genetics (formerly Invitae), Labcorp).

NM_004628.5(XPC):c.1898del (p.Pro633fs)

Gene: XPC (XPC complex subunit, DNA damage recognition and repair factor; minus strand). Cytogenetic location: 3p25.1.
Variant type: Deletion.
Coding change: c.1898del on transcript NM_004628.5 (MANE Select); coding-DNA position 1898, one base deleted (C; older notation c.1898delC).
Protein change: p.Pro633fs; shifts the reading frame from proline 633.
Molecular consequence: frameshift variant. On other transcripts: intron variant (1).
Genome position (GRCh38, 1-based): chr3:14,156,470, G deleted on the plus strand (C on the coding strand, the reverse complement: XPC is on the minus strand); the first of 2 consecutive G bases (chr3:14,156,470-14,156,471); deleting either gives the same sequence. VCF-style (leftmost placement, unchanged base first): chr3-14156469-AG-A. GRCh37 (hg19) VCF-style: chr3-14197969-AG-A.
Other names: c.1319del, p.Pro440fs (NM_001354726.2); c.1880del, p.Pro627fs (NM_001354729.2); c.1652del, p.Pro551fs (NM_001354730.2); c.1872+1541del (NM_001354727.2); short protein forms P551fs, P440fs, P633fs, P627fs.
Identifiers: ClinVar variation 1459990 (VCV001459990.7), dbSNP rs1695913328, ClinGen allele CA1346958919.